The following is an entry in ClinVar:

NM_015271.5(TRIM2):c.1964C>A (p.Ala655Glu)

Gene: TRIM2 (tripartite motif containing 2; plus strand). Cytogenetic location: 4q31.3.
Variant type: single nucleotide variant.
Coding change: c.1964C>A on transcript NM_015271.5 (MANE Select); coding-DNA position 1964, C replaced by A.
Protein change: p.Ala655Glu; replaces alanine 655 with glutamic acid.
Molecular consequence: missense variant.
Genome position (GRCh38, 1-based): chr4:153,324,090, C>A. VCF-style: chr4-153324090-C-A. GRCh37 (hg19) VCF-style: chr4-154245242-C-A.
Other names: c.1883C>A, p.Ala628Glu (NM_001130067.2); c.1949C>A, p.Ala650Glu (NM_001351054.2); c.1946C>A, p.Ala649Glu (NM_001351055.2); c.1895C>A, p.Ala632Glu (NM_001351056.2); c.1508C>A, p.Ala503Glu (NM_001351057.2); short protein forms A628E, A632E, A649E, A650E, A503E, A655E.
Identifiers: ClinVar variation 474607 (VCV000474607.8), dbSNP rs1554002777, ClinGen allele CA358469685.

ClinVar aggregate classification (germline): Uncertain significance (1 of 4 stars; one submission).

Conditions:
Charcot-Marie-Tooth disease type 2R. Also called: CHARCOT-MARIE-TOOTH DISEASE, AXONAL, AUTOSOMAL RECESSIVE, TYPE 2R; Charcot-Marie-Tooth disease, axonal, type 2R; CHARCOT-MARIE-TOOTH NEUROPATHY, TYPE 2R. Identifiers: Orphanet 397968, MedGen C3809655, MONDO:0014208, OMIM 615490.

Submission:

Labcorp Genetics (formerly Invitae), Labcorp
Classification: Uncertain significance for Charcot-Marie-Tooth disease type 2R. Last evaluated: 2017-07-22. Review status: criteria provided, single submitter. Criteria: Invitae Variant Classification Sherloc (09022015). Collection method: clinical testing. Allele origin: germline.
Comment: Algorithms developed to predict the effect of missense changes on protein structure and function do not agree on the potential impact of this missense change (SIFT: "Deleterious"; PolyPhen-2: "Benign"; Align-GVGD: "Class C0"). In summary, the available evidence is currently insufficient to determine the role of this variant in disease. Therefore, it has been classified as a Variant of Uncertain Significance. This variant has not been reported in the literature in individuals with TRIM2-related disease. This variant is not present in population databases (ExAC no frequency). This sequence change replaces alanine with glutamic acid at codon 628 of the TRIM2 protein (p.Ala628Glu). The alanine residue is highly conserved and there is a moderate physicochemical difference between alanine and glutamic acid.